The following is an entry in ClinVar:

NM_000051.4(ATM):c.4030G>C (p.Val1344Leu)

Gene: ATM (ATM serine/threonine kinase; plus strand). Cytogenetic location: 11q22.3.
Variant type: single nucleotide variant.
Coding change: c.4030G>C on transcript NM_000051.4 (MANE Select); coding-DNA position 4030, G replaced by C.
Protein change: p.Val1344Leu; replaces valine 1344 with leucine.
Molecular consequence: missense variant.
Genome position (GRCh38, 1-based): chr11:108,287,636, G>C. VCF-style: chr11-108287636-G-C. GRCh37 (hg19) VCF-style: chr11-108158363-G-C.
Other names: c.4030G>C, p.Val1344Leu (NM_001351834.2); short protein forms V1344L.
Identifiers: ClinVar variation 2568149 (VCV002568149.2), dbSNP rs1565452575, ClinGen allele CA382527704.
Genomic context (GRCh38, chr11:108,287,636, plus strand): 5'-TATTTTAATTTTGTGCCCTTGCAGATTGATCACTTATTCATTAGTAATTTACCAGAGATT[G>C]TGGTGGAGTTATTGATGACGTTACATGAGCCAGCAAATTCTAGTGCCAGTCAGAGCACTG-3'
Protein context (NP_000042.3, residues 1334-1354): HLFISNLPEI[Val1344Leu]VELLMTLHEP

ClinVar aggregate classification (germline): Uncertain significance (1 of 4 stars; one submission).

Conditions:
Hereditary cancer-predisposing syndrome. Also called: Hereditary neoplastic syndrome; Hereditary Cancer Syndrome; Neoplastic Syndromes, Hereditary; Tumor predisposition. Identifiers: Orphanet 140162, MedGen C0027672, MeSH D009386, MONDO:0015356.

Submission:

Ambry Genetics
Classification: Uncertain significance for Hereditary cancer-predisposing syndrome. Last evaluated: 2023-03-22. Review status: criteria provided, single submitter. Criteria: Ambry Variant Classification Scheme 2023. Collection method: clinical testing. Allele origin: germline.
Comment: The p.V1344L variant (also known as c.4030G>C), located in coding exon 26 of the ATM gene, results from a G to C substitution at nucleotide position 4030. The valine at codon 1344 is replaced by leucine, an amino acid with highly similar properties. This amino acid position is well conserved in available vertebrate species. In addition, the in silico prediction for this alteration is inconclusive. Since supporting evidence is limited at this time, the clinical significance of this alteration remains unclear.